The following is an entry in ClinVar:

NM_183065.4(TMEM107):c.*751C>T

Genes: SNORD118 (small nucleolar RNA, C/D box 118; minus strand), TMEM107 (transmembrane protein 107; minus strand). Cytogenetic location: 17p13.1.
Variant type: single nucleotide variant.
Coding change: c.*751C>T on transcript NM_183065.4 (MANE Select); 751 bases downstream of the stop codon, C replaced by T.
Molecular consequence: 3 prime UTR variant. On other transcripts: non-coding transcript variant (1).
Genome position (GRCh38, 1-based): chr17:8,173,452, G>A on the plus strand (C>T on the coding strand, the complement: TMEM107 is on the minus strand). VCF-style: chr17-8173452-G-A. GRCh37 (hg19) VCF-style: chr17-8076770-G-A.
Other names: c.*751C>T (NM_001351278.2, NM_001351279.2, NM_001351280.2 and 2 more transcripts).
Identifiers: ClinVar variation 872120 (VCV000872120.52), dbSNP rs117595965, ClinGen allele CA8370559.

ClinVar aggregate classification (germline): Conflicting classifications of pathogenicity. Review status: criteria provided, conflicting classifications (1 of 4 stars). 10 submissions from 10 submitters: Pathogenic (1); Likely pathogenic (4); Uncertain significance (2); Benign (2). 1 of the submissions does not count toward it. Last evaluated 2026-09-04.

Conditions:
TMEM107-related disorder. Also called: TMEM107-related condition.
Meckel syndrome 13 (MKS13). Identifiers: MedGen C4539714, MONDO:0033044, OMIM 617562.
SNORD118 & TMEM107-related disorders.
Leukoencephalopathy with calcifications and cysts. Also called: LABRUNE SYNDROME; Leukoencephalopathy, brain calcifications, and cysts. Identifiers: Orphanet 542310, MedGen C3281200, MONDO:0013803, OMIM 614561.

Allele frequency attached by ClinVar (database versions not stated): 1000 Genomes Project 30x 0.00234; 1000 Genomes Project 0.00280; TOPMed 0.00428; ESP Exome Variant Server 0.00488.
gnomAD v4.1: 4,284 of 762,922 alleles (0.56%); highest among the groups gnomAD compares: Non-Finnish European, 0.74%; 26 homozygotes.

Submissions (10):

PreventionGenetics, part of Exact Sciences
Classification: Uncertain significance for TMEM107-related condition. Last evaluated: 2026-09-04. Review status: criteria provided, single submitter. Criteria: ACMG Guidelines, 2015. Collection method: clinical testing. Allele origin: germline.
Comment: The TMEM107 c.*751C>T variant is located in the 3' untranslated region. This variant has been reported in the heterozygous state along with a second variant in multiple individuals with leukoencephalopathy, brain calcifications, and cysts (Pessoa. 2018. PubMed ID: 29984898; Crow et al. 2021. PubMed ID: 33029936; Jenkinson et al. 2016. PubMed ID: 27571260). Of note this variant was detected in the compound heterozygous state in with another suspected causative variant in a clinically asymptomatic individual (Crow et al. 2021. PubMed ID: 33029936). An in vitro study suggests that this variant may alter 3' end processing on snoRNAs (Jenkinson et al. 2016. PubMed ID: 27571260). This variant is reported in 1.6% of alleles in individuals of Ashkenazi Jewish descent in gnomAD, including 1 homozygote. Although we suspect that this variant may be benign, at this time, the clinical significance of this variant is uncertain due to the absence of conclusive functional and genetic evidence.

CeGaT Center for Human Genetics Tuebingen
Classification: Pathogenic. Last evaluated: 2026-09-01. Review status: criteria provided, single submitter. Criteria: CeGaT Center For Human Genetics Tuebingen Variant Classification Criteria Version 2. Collection method: clinical testing. Allele origin: germline. Affected: yes. Observed: 33 variant alleles.
Comment: SNORD118: PM3:Very Strong, PM2:Supporting, PS3:Supporting

Institute of Human Genetics, University of Leipzig Medical Center
Classification: Likely pathogenic for Leukoencephalopathy with calcifications and cysts. Last evaluated: 2025-10-20. Review status: criteria provided, single submitter. Criteria: ACMG Guidelines, 2015. Collection method: clinical testing. Allele origin: unknown. Inheritance: Autosomal recessive inheritance. Affected: yes.
Comment: Criteria applied: PM3_STR,PM1,PS3_SUP

Women's Health and Genetics/Laboratory Corporation of America, LabCorp
Classification: Benign. Last evaluated: 2025-10-02. Review status: criteria provided, single submitter. Criteria: LabCorp Variant Classification Summary - May 2015. Collection method: clinical testing. Allele origin: germline.
Comment: Variant summary: TMEM107 c.*751C>T is located in the untranslated mRNA region downstream of the termination codon. The variant allele was found at a frequency of 0.0048 in 231386 control chromosomes in the gnomAD database, including 5 homozygotes. The observed variant frequency exceeds the estimated maximal expected allele frequency for disease-causing variants in TMEM107. The variant has been reported as SNORD118 n.*1C>T in individuals affected with Leukoencephalopathy with calcifications and cysts (e.g., Jenkinson_2016, Pessoa_2018, Crow_2021), and one study reported no difference in TMEM107 RNA or protein expression in these patients. These reports do not provide unequivocal conclusions about association of the variant with TMEM107-Related Disorders. At least one publication reports experimental evidence that the variant has an impact on snoRNA processing (Jenkinson_2016). The following publications have been ascertained in the context of this evaluation (PMID: 27571260, 29984898, 33029936). ClinVar contains an entry for this variant (Variation ID: 872120). Based on the evidence outlined above, the variant was classified as benign.

First Genomix Gene Laboratory, Genetic Diagnostics Department
Classification: Likely pathogenic for Leukoencephalopathy with calcifications and cysts. Last evaluated: 2025-03-27. Review status: criteria provided, single submitter. Criteria: ACMG Guidelines, 2015. Collection method: clinical testing. Allele origin: germline. Inheritance: Autosomal recessive inheritance. Affected: no. Observed: 1 variant allele.

GeneDx
Classification: Uncertain significance. Last evaluated: 2025-01-16. Review status: criteria provided, single submitter. Criteria: GeneDx Variant Classification Process June 2021. Collection method: clinical testing. Allele origin: germline. Affected: yes.
Comment: Located in a non-coding RNA; Not expected to affect secondary structure/function based on location and conservation information; This variant is associated with the following publications: (PMID: 34426522, 27571260, 32359472, 38968992, 29984898, 34220662, 33029936)

Blueprint Genetics
Classification: Likely pathogenic for SNORD118 & TMEM107-related disorders. Last evaluated: 2024-11-21. Review status: criteria provided, single submitter. Criteria: ACMG Guidelines, 2015. Collection method: clinical testing. Allele origin: germline. Affected: yes. Observed: 5 variant alleles.

Department of Pathology and Laboratory Medicine, Sinai Health System
Classification: Likely pathogenic for Meckel syndrome 13. Last evaluated: 2023-08-17. Review status: criteria provided, single submitter. Criteria: ACMG Guidelines, 2015. Collection method: research. Allele origin: germline.

Mendelics
Classification: Benign. Last evaluated: 2022-05-04. Review status: criteria provided, single submitter. Criteria: Mendelics Assertion Criteria 2019. Collection method: clinical testing. Allele origin: germline.

Laboratory of Neurogenetics and Neuroinflammation, Institut Imagine
Classification: Pathogenic for Leukoencephalopathy, brain calcifications, and cysts. Last evaluated: 2020-04-06. Review status: no assertion criteria provided. Collection method: clinical testing. Allele origin: germline. Affected: yes. Observed: 6 variant alleles. Not counted in ClinVar's aggregate classification.

Literature cited by the submitters: PubMed 33029936 (cited by Women's Health and Genetics/Laboratory Corporation of America, LabCorp); PubMed 27571260 (cited by Women's Health and Genetics/Laboratory Corporation of America, LabCorp); PubMed 29984898 (cited by Women's Health and Genetics/Laboratory Corporation of America, LabCorp and Laboratory of Neurogenetics and Neuroinflammation, Institut Imagine).